The following is an entry in ClinVar:

ClinVar aggregate classification (germline): Likely benign (1 of 4 stars; one submission).

gnomAD v4.1: 5 of 398,380 alleles (0.0013%); highest among the groups gnomAD compares: East Asian, 0.0071%; no homozygotes.

Submission:

CeGaT Center for Human Genetics Tuebingen
Classification: Likely benign. Last evaluated: 2025-04-01. Review status: criteria provided, single submitter. Criteria: CeGaT Center For Human Genetics Tuebingen Variant Classification Criteria Version 2. Collection method: clinical testing. Allele origin: germline. Affected: yes. Observed: 1 variant allele.
Comment: CSNK2A1: BP4

NM_177559.3(CSNK2A1):c.213+1506G>A

Gene: CSNK2A1 (casein kinase 2 alpha 1; minus strand). Cytogenetic location: 20p13.
Variant type: single nucleotide variant.
Coding change: c.213+1506G>A on transcript NM_177559.3 (MANE Select); 1506 bases into the intron after coding-DNA position 213, G replaced by A.
Molecular consequence: intron variant.
Genome position (GRCh38, 1-based): chr20:503,612, C>T on the plus strand (G>A on the coding strand, the complement: CSNK2A1 is on the minus strand). VCF-style: chr20-503612-C-T. GRCh37 (hg19) VCF-style: chr20-484256-C-T.
Other names: c.-196+1506G>A (NM_177560.3); c.213+1506G>A (NM_001362771.2, NM_001895.4, NM_001362770.2).
Identifiers: ClinVar variation 3898389 (VCV003898389.7).